The following is an entry in ClinVar:

NM_030665.4(RAI1):c.849G>A (p.Gln283=)

Gene: RAI1 (retinoic acid induced 1; plus strand). Cytogenetic location: 17p11.2.
Variant type: single nucleotide variant.
Coding change: c.849G>A on transcript NM_030665.4 (MANE Select); coding-DNA position 849, G replaced by A.
Protein change: p.Gln283=; no amino-acid change (glutamine 283 retained).
Molecular consequence: synonymous variant.
Genome position (GRCh38, 1-based): chr17:17,793,797, G>A. VCF-style: chr17-17793797-G-A. GRCh37 (hg19) VCF-style: chr17-17697111-G-A.
Identifiers: ClinVar variation 283887 (VCV000283887.46), dbSNP rs886042730, ClinGen allele CA10604615.

ClinVar aggregate classification (germline): Conflicting classifications of pathogenicity. Review status: criteria provided, conflicting classifications (1 of 4 stars). 4 submissions from 4 submitters: Uncertain significance (1); Likely benign (3). Last evaluated 2026-09-01.

Allele frequency attached by ClinVar (database versions not stated): gnomAD exomes below 0.00001.

Submissions (4):

CeGaT Center for Human Genetics Tuebingen
Classification: Likely benign. Last evaluated: 2026-09-01. Review status: criteria provided, single submitter. Criteria: CeGaT Center For Human Genetics Tuebingen Variant Classification Criteria Version 2. Collection method: clinical testing. Allele origin: germline. Affected: yes. Observed: 8 variant alleles.
Comment: RAI1: PM2:Supporting, BP4, BP7

Labcorp Genetics (formerly Invitae), Labcorp
Classification: Likely benign. Last evaluated: 2026-02-03. Review status: criteria provided, single submitter. Criteria: Invitae Variant Classification Sherloc (09022015). Collection method: clinical testing. Allele origin: germline.

GeneDx
Classification: Likely benign. Last evaluated: 2021-04-13. Review status: criteria provided, single submitter. Criteria: GeneDx Variant Classification Process June 2021. Collection method: clinical testing. Allele origin: germline. Affected: yes.

Eurofins Ntd Llc (ga)
Classification: Uncertain significance. Last evaluated: 2016-10-19. Review status: criteria provided, single submitter. Criteria: EGL Classification Definitions 2015. Collection method: clinical testing. Allele origin: germline. Observed: 2 variant alleles, 2 heterozygotes.